The following is an entry in ClinVar:

ClinVar aggregate classification (germline): Benign. Review status: criteria provided, multiple submitters, no conflicts (2 of 4 stars). 2 submissions from 2 submitters: Benign (2). Last evaluated 2018-01-13.

Conditions:
Childhood apraxia of speech (SPCH1). Also called: DEVELOPMENTAL VERBAL DYSPRAXIA; Speech language disorder; FOXP2-Related Speech and Language Disorder; SPEECH AND LANGUAGE DISORDER WITH OROFACIAL DYSPRAXIA. Identifiers: Orphanet 209908, MedGen C0750927, MONDO:0011184, OMIM 602081.

Allele frequency attached by ClinVar (database versions not stated): gnomAD exomes 0.06018; gnomAD 0.12102; 1000 Genomes Project 0.13019; 1000 Genomes Project 30x 0.13773; TOPMed 0.14228; ExAC 0.14286.
gnomAD v4.1: 25,123 of 312,326 alleles (8%); highest among the groups gnomAD compares: African/African-American, 35%; 3,066 homozygotes.

Submissions (2):

Illumina Laboratory Services, Illumina
Classification: Benign for Childhood apraxia of speech. Last evaluated: 2018-01-13. Review status: criteria provided, single submitter. Criteria: ICSL Variant Classification Criteria 13 December 2019. Collection method: clinical testing. Allele origin: germline.
Comment: This variant was observed in the ICSL laboratory as part of a predisposition screen in an ostensibly healthy population. It had not been previously curated by ICSL or reported in the Human Gene Mutation Database (HGMD: prior to June 1st, 2018), and was therefore a candidate for classification through an automated scoring system. Utilizing variant allele frequency, disease prevalence and penetrance estimates, and inheritance mode, an automated score was calculated to assess if this variant is too frequent to cause the disease. Based on the score and internal cut-off values, a variant classified as benign is not then subjected to further curation. The score for this variant resulted in a classification of benign for this disease.

Breakthrough Genomics
Classification: Benign. Review status: criteria provided, single submitter. Criteria: ACMG Guidelines, 2015. Collection method: not provided. Allele origin: germline. Inheritance: Autosomal dominant inheritance. Affected: yes.

NM_014491.4(FOXP2):c.*3822C>T

Gene: FOXP2 (forkhead box P2; plus strand). Cytogenetic location: 7q31.1.
Variant type: single nucleotide variant.
Coding change: c.*3822C>T on transcript NM_014491.4 (MANE Select); 3822 bases downstream of the stop codon, C replaced by T.
Molecular consequence: 3 prime UTR variant. On other transcripts: non-coding transcript variant (2).
Genome position (GRCh38, 1-based): chr7:114,693,748, C>T. VCF-style: chr7-114693748-C-T. GRCh37 (hg19) VCF-style: chr7-114333803-C-T.
Other names: c.*3822C>T (NM_001172766.3, NM_148898.4, NM_148900.4).
Identifiers: ClinVar variation 358676 (VCV000358676.6), dbSNP rs10244649, ClinGen allele CA4446529.
Genomic context (GRCh38, chr7:114,693,748, plus strand): 5'-AAATGTATATGAAACCATTTCATTCACTTGATTACATTTCTGAAGTATAAATAAAAAAAT[C>T]TAATTCTTTTTGACCCATTTATAACCAATAGGATTTTATTCTTTCGGAGAGACCATTCTT-3'